The following is an entry in ClinVar:

NM_000138.5(FBN1):c.2034_2052del (p.Thr679fs)

Gene: FBN1 (fibrillin 1; minus strand). Cytogenetic location: 15q21.1.
Variant type: Deletion.
Coding change: c.2034_2052del on transcript NM_000138.5 (MANE Select); coding-DNA positions 2034 to 2052, 19 bases deleted (CACTAAATCTGAATGCTGT).
Protein change: p.Thr679fs; shifts the reading frame from threonine 679.
Molecular consequence: frameshift variant.
Genome position (GRCh38, 1-based): chr15:48,503,848-48,503,866, ACAGCATTCAGATTTAGTG deleted on the plus strand (CACTAAATCTGAATGCTGT on the coding strand, the reverse complement: FBN1 is on the minus strand); deleting any 19 consecutive bases within chr15:48,503,848-48,503,872 gives the same sequence; the c. name uses the placement nearest the transcript's 3' end. VCF-style (leftmost placement, unchanged base first): chr15-48503847-AACAGCATTCAGATTTAGTG-A. GRCh37 (hg19) VCF-style: chr15-48796044-AACAGCATTCAGATTTAGTG-A.
Other names: NM_000138.5:c.2034_2052del; c.2028_2046del19, p.Thr679Alafs (NM_001406716.1); short protein forms T679fs.
Identifiers: ClinVar variation 2413171 (VCV002413171.4), dbSNP rs2505591071, ClinGen allele CA1139532474.

ClinVar aggregate classification (germline): Likely pathogenic (3 of 4 stars; one submission).

Conditions:
Marfan syndrome (MFS). Also called: MARFAN SYNDROME, TYPE I; FBN1-Related Marfan Syndrome; Marfan syndrome type 1; Marfan's syndrome; Marfan syndrome, classic. Identifiers: Orphanet 284963, Orphanet 558, MedGen C0024796, MONDO:0007947, OMIM 154700.

Submission:

ClinGen FBN1 Variant Curation Expert Panel, ClinGen
Classification: Likely pathogenic for Marfan syndrome. Last evaluated: 2023-02-01. Review status: reviewed by expert panel. Criteria: Assertion Criteria VCEP FBN1 Version 1. Collection method: curation. Allele origin: germline. Inheritance: Autosomal dominant inheritance.
Comment: The NM_00138 c.2034_2052del, is a frameshift variant in FBN1 predicted to cause a substitution of a threonine acid by alanine at amino acid 679 (p.Thr679Alafs*33). It is expected to cause a shift in the reading frame and likely results in an absent or disrupted protein product (PVS1). This variant has not been reported in ClinVar and has not been reported in the literature. This variant is not present in gnomAD v2.1.1 (PM2_sup). In summary, this variant meets criteria to be classified as likely pathogenic for Marfan syndrome based on the ACMG/AMP criteria applied, as specified by the ClinGen FBN1 VCEP: PVS1, PM2_supporting.